The following is an entry in ClinVar:

NM_001943.5(DSG2):c.352dup (p.Asp118fs)

Gene: DSG2 (desmoglein 2; plus strand). Cytogenetic location: 18q12.1.
Variant type: Duplication.
Coding change: c.352dup on transcript NM_001943.5 (MANE Select); coding-DNA position 352, one base duplicated (G; older notation c.352dupG).
Protein change: p.Asp118fs; shifts the reading frame from aspartic acid 118.
Molecular consequence: frameshift variant.
Genome position (GRCh38, 1-based): chr18:31,520,938, G duplicated. VCF-style (leftmost placement, unchanged base first): chr18-31520937-T-TG. GRCh37 (hg19) VCF-style: chr18-29100900-T-TG.
Other names: short protein forms D118fs.
Identifiers: ClinVar variation 924200 (VCV000924200.3), dbSNP rs2073124055, ClinGen allele CA1139666002.

ClinVar aggregate classification (germline): Uncertain significance (1 of 4 stars; one submission).

Conditions:
Cardiomyopathy (CMYO). Also called: Cardiomyopathies. Identifiers: Orphanet 167848, MedGen C0878544, MONDO:0004994, HP:0001638. Inheritance: Various modes of inheritance.

Submission:

Color Diagnostics, LLC DBA Color Health
Classification: Uncertain significance for Cardiomyopathy. Last evaluated: 2019-06-27. Review status: criteria provided, single submitter. Criteria: ACMG Guidelines, 2015. Collection method: clinical testing. Allele origin: germline.
Comment: This variant duplicates 1 nucleotide in exon 4 of the DSG2 gene, creating a frameshift and premature translation stop signal. This variant is expected to result in an absent or non-functional protein product. Computational splicing tools suggest that this variant may not impact RNA splicing. To our knowledge, functional assays have not been performed for this variant nor has this variant been reported in individuals affected with cardiovascular disorders in the literature. This variant has not been identified in the general population by the Genome Aggregation Database (gnomAD). Available evidence is insufficient to determine the role of this variant in disease conclusively. Therefore, this variant is classified as a Variant of Uncertain Significance.